The following is an entry in ClinVar:

NM_201253.3(CRB1):c.2939T>A (p.Phe980Tyr)

Gene: CRB1 (crumbs cell polarity complex component 1; plus strand). Cytogenetic location: 1q31.3.
Variant type: single nucleotide variant.
Coding change: c.2939T>A on transcript NM_201253.3 (MANE Select); coding-DNA position 2939, T replaced by A.
Protein change: p.Phe980Tyr; replaces phenylalanine 980 with tyrosine.
Molecular consequence: missense variant. On other transcripts: non-coding transcript variant (2), intron variant (1).
Genome position (GRCh38, 1-based): chr1:197,434,802, T>A. VCF-style: chr1-197434802-T-A. GRCh37 (hg19) VCF-style: chr1-197403932-T-A.
Other names: c.2603T>A, p.Phe868Tyr (NM_001193640.2); c.2867T>A, p.Phe956Tyr (NM_001257965.2); c.2129-798T>A (NM_001257966.2); short protein forms F868Y, F980Y, F956Y.
Identifiers: ClinVar variation 1461807 (VCV001461807.6), dbSNP rs1665047363, ClinGen allele CA344043780.
Genomic context (GRCh38, chr1:197,434,802, plus strand): 5'-AAATATTATTCAGAAGCAATGGGAATATTACCAGAGAACTCACCAATATCACATTTGGTT[T>A]CAGAACAAGGGATGCAAATGTAATAATATTGCATGCAGAAAAAGAGCCTGAATTTCTTAA-3'
Protein context (NP_957705.1, residues 970-990): TRELTNITFG[Phe980Tyr]RTRDANVIIL

ClinVar aggregate classification (germline): Uncertain significance (1 of 4 stars; one submission).

Conditions:
Leber congenital amaurosis 8 (LCA8). Identifiers: Orphanet 65, MedGen C3151202, MONDO:0013453, OMIM 613835.
Retinitis pigmentosa 12 (RP12). Also called: RP WITH OR WITHOUT PPRPE; RP WITH OR WITHOUT PRESERVED PARAARTERIOLE RETINAL PIGMENT EPITHELIUM; RETINITIS PIGMENTOSA WITH OR WITHOUT PARAARTERIOLAR PRESERVATION OF RETINAL PIGMENT EPITHELIUM. Identifiers: Orphanet 791, MedGen C1838647, MONDO:0010818, OMIM 600105.

Allele frequency attached by ClinVar (database versions not stated): TOPMed below 0.00001.

Submission:

Labcorp Genetics (formerly Invitae), Labcorp
Classification: Uncertain significance for Leber congenital amaurosis 8; Retinitis pigmentosa 12. Last evaluated: 2022-07-06. Review status: criteria provided, single submitter. Criteria: Invitae Variant Classification Sherloc (09022015). Collection method: clinical testing. Allele origin: germline.
Comment: This sequence change replaces phenylalanine, which is neutral and non-polar, with tyrosine, which is neutral and polar, at codon 980 of the CRB1 protein (p.Phe980Tyr). This variant is not present in population databases (gnomAD no frequency). This variant has not been reported in the literature in individuals affected with CRB1-related conditions. ClinVar contains an entry for this variant (Variation ID: 1461807). Advanced modeling of protein sequence and biophysical properties (such as structural, functional, and spatial information, amino acid conservation, physicochemical variation, residue mobility, and thermodynamic stability) performed at Invitae indicates that this missense variant is not expected to disrupt CRB1 protein function. In summary, the available evidence is currently insufficient to determine the role of this variant in disease. Therefore, it has been classified as a Variant of Uncertain Significance.